The following is an entry in ClinVar:

NM_022114.4(PRDM16):c.3676T>C (p.Cys1226Arg)

Gene: PRDM16 (PR/SET domain 16; plus strand). Cytogenetic location: 1p36.32.
Variant type: single nucleotide variant.
Coding change: c.3676T>C on transcript NM_022114.4 (MANE Select); coding-DNA position 3676, T replaced by C.
Protein change: p.Cys1226Arg; replaces cysteine 1226 with arginine.
Molecular consequence: missense variant.
Genome position (GRCh38, 1-based): chr1:3,432,120, T>C. VCF-style: chr1-3432120-T-C. GRCh37 (hg19) VCF-style: chr1-3348684-T-C.
Other names: c.3676T>C, p.Cys1226Arg (NM_199454.3); short protein forms C1226R.
Identifiers: ClinVar variation 3016558 (VCV003016558.3), dbSNP rs1254675082, ClinGen allele CA338004872.

ClinVar aggregate classification (germline): Uncertain significance (1 of 4 stars; one submission).

Conditions:
Left ventricular noncompaction 8 (LVNC8). Identifiers: Orphanet 154, Orphanet 54260, MedGen C3809288, MONDO:0014152, OMIM 615373.

Allele frequency attached by ClinVar (database versions not stated): gnomAD exomes below 0.00001; TOPMed below 0.00001; gnomAD 0.00001.
gnomAD v4.1: 2 of 1,613,612 alleles (0.00012%); highest among the groups gnomAD compares: African/African-American, 0.0027%; no homozygotes.

Submission:

Labcorp Genetics (formerly Invitae), Labcorp
Classification: Uncertain significance for Left ventricular noncompaction 8. Last evaluated: 2025-12-10. Review status: criteria provided, single submitter. Criteria: Invitae Variant Classification Sherloc (09022015). Collection method: clinical testing. Allele origin: germline.
Comment: This sequence change replaces cysteine, which is neutral and slightly polar, with arginine, which is basic and polar, at codon 1226 of the PRDM16 protein (p.Cys1226Arg). This variant is not present in population databases (gnomAD no frequency). This variant has not been reported in the literature in individuals affected with PRDM16-related conditions. ClinVar contains an entry for this variant (Variation ID: 3016558). An algorithm developed to predict the effect of missense changes on protein structure and function (PolyPhen-2) suggests that this variant is likely to be tolerated. In summary, the available evidence is currently insufficient to determine the role of this variant in disease. Therefore, it has been classified as a Variant of Uncertain Significance.